The following is an entry in ClinVar:

ClinVar aggregate classification (germline): Uncertain significance (1 of 4 stars; one submission).

gnomAD v4.1: 2 of 1,613,524 alleles (0.00012%); highest among the groups gnomAD compares: Non-Finnish European, 0.00017%; no homozygotes.

Submission:

GeneDx
Classification: Uncertain significance. Last evaluated: 2026-04-01. Review status: criteria provided, single submitter. Criteria: GeneDx Variant Classification Process June 2021. Collection method: clinical testing. Allele origin: germline.
Comment: Not observed at significant frequency in large population cohorts (gnomAD); In silico analysis suggests that this missense variant does not alter protein structure/function; Has not been previously published as pathogenic or benign to our knowledge

NM_025233.7(COASY):c.1393C>A (p.Arg465Ser)

Gene: COASY (Coenzyme A synthase; plus strand). Cytogenetic location: 17q21.2.
Variant type: single nucleotide variant.
Coding change: c.1393C>A on transcript NM_025233.7 (MANE Select); coding-DNA position 1393, C replaced by A.
Protein change: p.Arg465Ser; replaces arginine 465 with serine.
Molecular consequence: missense variant.
Genome position (GRCh38, 1-based): chr17:42,565,476, C>A. VCF-style: chr17-42565476-C-A. GRCh37 (hg19) VCF-style: chr17-40717494-C-A.
Other names: c.1393C>A, p.Arg465Ser (NM_001042529.3); c.1480C>A, p.Arg494Ser (NM_001042532.4); short protein forms R465S, R494S.
Identifiers: ClinVar variation 5016701 (VCV005016701.1).
Genomic context (GRCh38, chr17:42,565,476, plus strand): 5'-TGTTCTGCCTGGGAGAACGTCGGCACTGCTGGCGGTGACTGGGGTCTCCCCACAGGAAAG[C>A]GTGTGTGTGTGATTGATGCCGCTGTGTTGCTTGAAGCCGGCTGGCAGAACCTGGTCCATG-3'
Protein context (NP_079509.5, residues 455-475): EMDRAVAEGK[Arg465Ser]VCVIDAAVLL